The following is an entry in ClinVar:

ClinVar aggregate classification (germline): Uncertain significance. Review status: criteria provided, multiple submitters, no conflicts (2 of 4 stars). 2 submissions from 2 submitters: Uncertain significance (2). Last evaluated 2025-08-18.

Conditions:
Developmental and epileptic encephalopathy, 62. Also called: Early infantile epileptic encephalopathy 62. Identifiers: MedGen C4693699, MONDO:0033371, OMIM 617938.
Epilepsy, familial focal, with variable foci 4 (FFEVF4). Identifiers: MedGen C4693694, MONDO:0054776, OMIM 617935.

Allele frequency attached by ClinVar (database versions not stated): ExAC 0.00001; gnomAD exomes 0.00001 and 0.00002; gnomAD 0.00008 and 0.00009; TOPMed 0.00012; ESP Exome Variant Server 0.00015.
gnomAD v4.1: 29 of 1,594,744 alleles (0.0018%); highest among the groups gnomAD compares: African/African-American, 0.031%; no homozygotes.

Submissions (2):

Labcorp Genetics (formerly Invitae), Labcorp
Classification: Uncertain significance. Last evaluated: 2025-08-18. Review status: criteria provided, single submitter. Criteria: Invitae Variant Classification Sherloc (09022015). Collection method: clinical testing. Allele origin: germline.
Comment: This sequence change falls in intron 15 of the SCN3A gene. It does not directly change the encoded amino acid sequence of the SCN3A protein. It affects a nucleotide within the consensus splice site. This variant is present in population databases (rs369416840, gnomAD 0.02%). This variant has not been reported in the literature in individuals affected with SCN3A-related conditions. ClinVar contains an entry for this variant (Variation ID: 937082). Variants that disrupt the consensus splice site are a relatively common cause of aberrant splicing (PMID: 17576681, 9536098). Algorithms developed to predict the effect of sequence changes on RNA splicing suggest that this variant is not likely to affect RNA splicing. In summary, the available evidence is currently insufficient to determine the role of this variant in disease. Therefore, it has been classified as a Variant of Uncertain Significance.

New York Genome Center
Classification: Uncertain significance for Epilepsy, familial focal, with variable foci 4; Developmental and epileptic encephalopathy, 62. Last evaluated: 2021-05-27. Review status: criteria provided, single submitter. Criteria: NYGC Assertion Criteria 2020. Collection method: clinical testing. Allele origin: germline. Observed: 1 heterozygote. Study: CSER-NYCKidSeq.

Literature cited by the submitters: PubMed 17576681 (cited by Labcorp Genetics (formerly Invitae), Labcorp); PubMed 9536098 (cited by Labcorp Genetics (formerly Invitae), Labcorp).

NM_006922.4(SCN3A):c.2391+3A>G

Gene: SCN3A (sodium voltage-gated channel alpha subunit 3; minus strand). Cytogenetic location: 2q24.3.
Variant type: single nucleotide variant.
Coding change: c.2391+3A>G on transcript NM_006922.4 (MANE Select); 3 bases into the intron after coding-DNA position 2391, A replaced by G.
Molecular consequence: intron variant.
Genome position (GRCh38, 1-based): chr2:165,137,876, T>C on the plus strand (A>G on the coding strand, the complement: SCN3A is on the minus strand). VCF-style: chr2-165137876-T-C. GRCh37 (hg19) VCF-style: chr2-165994386-T-C.
Other names: c.2244+3A>G (NM_001081676.2, NM_001081677.2).
Identifiers: ClinVar variation 937082 (VCV000937082.9), dbSNP rs369416840, ClinGen allele CA1938972.